The following is an entry in ClinVar:

ClinVar aggregate classification (germline): Likely pathogenic (1 of 4 stars; one submission).

Conditions:
Fetal anomalies with a likely genetic cause.

Submission:

Genetics Laboratory, Great Ormond Street Hospital NHS Foundation Trust, North Thames Genomic Laboratory Hub
Classification: Likely pathogenic for Fetal anomalies with a likely genetic cause. Last evaluated: 2026-04-07. Review status: criteria provided, single submitter. Criteria: ACGS Best Practice Guidelines for Variant Classification in Rare Disease 2024 v1.2. Collection method: clinical testing. Allele origin: germline. Affected: yes.
Comment: PM2_moderate, PVS1_strong

NM_139278.4(LGI3):c.10_13del (p.Leu4fs)

Gene: LGI3 (leucine rich repeat LGI family member 3; minus strand). Cytogenetic location: 8p21.3.
Variant type: Deletion.
Coding change: c.10_13del on transcript NM_139278.4 (MANE Select); coding-DNA positions 10 to 13, 4 bases deleted (CTGC; older notation c.10_13delCTGC).
Protein change: p.Leu4fs; shifts the reading frame from leucine 4.
Molecular consequence: frameshift variant.
Genome position (GRCh38, 1-based): chr8:22,156,530-22,156,533, GCAG deleted on the plus strand (CTGC on the coding strand, the reverse complement: LGI3 is on the minus strand). VCF-style (leftmost placement, unchanged base first): chr8-22156529-CGCAG-C. GRCh37 (hg19) VCF-style: chr8-22014042-CGCAG-C.
Other names: short protein forms L4fs.
Identifiers: ClinVar variation 4852592 (VCV004852592.1).